The following is an entry in ClinVar:

ClinVar aggregate classification (germline): Pathogenic (1 of 4 stars; one submission).

Conditions:
Cardiovascular phenotype. Identifiers: MedGen CN230736.

Submission:

Ambry Genetics
Classification: Pathogenic for Cardiovascular phenotype. Last evaluated: 2022-08-31. Review status: criteria provided, single submitter. Criteria: Ambry Variant Classification Scheme 2023. Collection method: clinical testing. Allele origin: germline.
Comment: The c.1210dupA pathogenic mutation, located in coding exon 7 of the GLA gene, results from a duplication of A at nucleotide position 1210, causing a translational frameshift with a predicted alternate stop codon (p.R404Kfs*?). This alteration occurs at the 3' terminus of theGLA gene, is not expected to trigger nonsense-mediated mRNAdecay and results in the elongation of the protein. This frameshift impacts the last 6% (26 amino acids) of the native protein. Frameshifts are typically deleterious in nature, a significant portion of the protein is affected, and the impacted region is critical for protein function (Ambry internal data). This variant is considered to be rare based on population cohorts in the Genome Aggregation Database (gnomAD). Based on the supporting evidence, this alteration is interpreted as a disease-causing mutation.

NM_000169.3(GLA):c.1210dup (p.Arg404fs)

Genes: GLA (galactosidase alpha; minus strand), RPL36A-HNRNPH2 (RPL36A-HNRNPH2 readthrough; plus strand). Cytogenetic location: Xq22.1.
Variant type: Duplication.
Coding change: c.1210dup on transcript NM_000169.3 (MANE Select); coding-DNA position 1210, one base duplicated (A; older notation c.1210dupA).
Protein change: p.Arg404fs; shifts the reading frame from arginine 404.
Molecular consequence: frameshift variant. On other transcripts: non-coding transcript variant (3), intron variant (2).
Genome position (GRCh38, 1-based): chrX:101,397,889, T duplicated on the plus strand (A on the coding strand, the reverse complement: GLA is on the minus strand); the first of 2 consecutive T bases (chrX:101,397,889-101,397,890); duplicating either gives the same sequence. VCF-style (leftmost placement, unchanged base first): chrX-101397888-C-CT. GRCh37 (hg19) VCF-style: chrX-100652876-C-CT.
Other names: c.1210dupA (NM_000169.2); c.1333dup, p.Arg445fs (NM_001406747.1); c.300+2433dup (NM_001199973.2); c.177+6068dup (NM_001199974.2); short protein forms R404fs, R445fs.
Identifiers: ClinVar variation 1750330 (VCV001750330.2), dbSNP rs2520849107, ClinGen allele CA2580100082.